The following is an entry in ClinVar:

ClinVar aggregate classification (germline): Benign/Likely benign. Review status: criteria provided, multiple submitters, no conflicts (2 of 4 stars). 5 submissions from 5 submitters: Benign (1); Likely benign (4). Last evaluated 2025-11-24.

Conditions:
Breast and/or ovarian cancer. Identifiers: MedGen CN221562.
Hereditary cancer-predisposing syndrome. Also called: Tumor predisposition; Neoplastic Syndromes, Hereditary; Hereditary Cancer Syndrome; Hereditary neoplastic syndrome. Identifiers: Orphanet 140162, MedGen C0027672, MeSH D009386, MONDO:0015356.
Lynch syndrome 4 (LYNCH4). Also called: Colorectal cancer, hereditary nonpolyposis, type 4; Hereditary non-polyposis colorectal cancer, type 4. Identifiers: Orphanet 144, MedGen C1838333, MONDO:0013699, OMIM 614337. Disease mechanism: loss of function.
Hereditary nonpolyposis colorectal neoplasms. Identifiers: MedGen C0009405, MeSH D003123.

gnomAD v4.1: 5 of 1,603,594 alleles (0.00031%); highest among the groups gnomAD compares: Non-Finnish European, 0.00042%; no homozygotes.

Submissions (5):

Color Diagnostics, LLC DBA Color Health
Classification: Likely benign for Hereditary cancer-predisposing syndrome. Last evaluated: 2025-11-24. Review status: criteria provided, single submitter. Criteria: ACMG Guidelines, 2015. Collection method: clinical testing. Allele origin: germline.

Labcorp Genetics (formerly Invitae), Labcorp
Classification: Likely benign for Hereditary nonpolyposis colorectal neoplasms. Last evaluated: 2025-08-11. Review status: criteria provided, single submitter. Criteria: Invitae Variant Classification Sherloc (09022015). Collection method: clinical testing. Allele origin: germline.

Myriad Genetics, Inc.
Classification: Benign for Lynch syndrome 4. Last evaluated: 2025-01-24. Review status: criteria provided, single submitter. Criteria: Myriad Autosomal Dominant, Autosomal Recessive and X-Linked Classification Criteria (2023). Collection method: clinical testing. Allele origin: unknown.
Comment: This variant is considered benign. This variant is a silent/synonymous amino acid change and it is not expected to impact splicing.

CHEO Genetics Diagnostic Laboratory, Children's Hospital of Eastern Ontario
Classification: Likely benign for Breast and/or ovarian cancer. Last evaluated: 2020-06-17. Review status: criteria provided, single submitter. Criteria: ACMG Guidelines, 2015. Collection method: clinical testing. Allele origin: germline.

Ambry Genetics
Classification: Likely benign for Hereditary cancer-predisposing syndrome. Last evaluated: 2017-11-30. Review status: criteria provided, single submitter. Criteria: Ambry Variant Classification Scheme 2023. Collection method: clinical testing. Allele origin: germline.

NM_000535.7(PMS2):c.292C>T (p.Leu98=)

Gene: PMS2 (PMS1 homolog 2, mismatch repair system component; minus strand). Cytogenetic location: 7p22.1.
Variant type: single nucleotide variant.
Coding change: c.292C>T on transcript NM_000535.7 (MANE Select); coding-DNA position 292, C replaced by T.
Protein change: p.Leu98=; no amino-acid change (leucine 98 retained).
Molecular consequence: synonymous variant. On other transcripts: 5 prime UTR variant (9), non-coding transcript variant (1), intron variant (2).
Genome position (GRCh38, 1-based): chr7:6,003,751, G>A on the plus strand (C>T on the coding strand, the complement: PMS2 is on the minus strand). VCF-style: chr7-6003751-G-A. GRCh37 (hg19) VCF-style: chr7-6043382-G-A.
Other names: c.-114C>T (NM_001322003.2, NM_001322004.2, NM_001322005.2 and 3 more transcripts); c.292C>T, p.Leu98= (NM_001322006.2, NM_001322014.2); c.-593C>T (NM_001322011.2, NM_001322012.2); c.-193C>T (NM_001322015.2); c.35+221C>T (NM_001322008.2, NM_001322007.2).
Identifiers: ClinVar variation 761677 (VCV000761677.14), dbSNP rs1583408706, ClinGen allele CA453647965.